The following is an entry in ClinVar:

NM_000426.4(LAMA2):c.5072-287G>A

Gene: LAMA2 (laminin subunit alpha 2; plus strand). Cytogenetic location: 6q22.33.
Variant type: single nucleotide variant.
Coding change: c.5072-287G>A on transcript NM_000426.4 (MANE Select); 287 bases into the intron before coding-DNA position 5072, G replaced by A.
Molecular consequence: intron variant.
Genome position (GRCh38, 1-based): chr6:129,391,204, G>A. VCF-style: chr6-129391204-G-A. GRCh37 (hg19) VCF-style: chr6-129712349-G-A.
Other names: c.5072-287G>A (NM_001079823.2).
Identifiers: ClinVar variation 668915 (VCV000668915.1), dbSNP rs4599678, ClinGen allele CA12335106.

ClinVar aggregate classification (germline): Benign (1 of 4 stars; one submission).

Allele frequency attached by ClinVar (database versions not stated): gnomAD 0.11278 and 0.11324; TOPMed 0.12217; 1000 Genomes Project 0.12819; 1000 Genomes Project 30x 0.13023.
gnomAD v4.1: 17,179 of 152,078 alleles (11%); highest among the groups gnomAD compares: African/African-American, 17%; 1,141 homozygotes.

Submission:

GeneDx
Classification: Benign. Last evaluated: 2018-06-14. Review status: criteria provided, single submitter. Criteria: GeneDx Variant Classification (06012015). Collection method: clinical testing. Allele origin: germline. Affected: yes.
Comment: This variant is considered likely benign or benign based on one or more of the following criteria: it is a conservative change, it occurs at a poorly conserved position in the protein, it is predicted to be benign by multiple in silico algorithms, and/or has population frequency not consistent with disease.